The following is an entry in ClinVar:

NM_001267550.2(TTN):c.16634T>C (p.Phe5545Ser)

Gene: TTN (titin; minus strand). Cytogenetic location: 2q31.2.
Variant type: single nucleotide variant.
Coding change: c.16634T>C on transcript NM_001267550.2 (MANE Select); coding-DNA position 16634, T replaced by C.
Protein change: p.Phe5545Ser; replaces phenylalanine 5545 with serine.
Molecular consequence: missense variant. On other transcripts: intron variant (3).
Genome position (GRCh38, 1-based): chr2:178,732,335, A>G on the plus strand (T>C on the coding strand, the complement: TTN is on the minus strand). VCF-style: chr2-178732335-A-G. GRCh37 (hg19) VCF-style: chr2-179597062-A-G.
Other names: c.15683T>C, p.Phe5228Ser (NM_001256850.1); c.12902T>C, p.Phe4301Ser (NM_133378.4); c.13282+5747T>C (NM_003319.4); c.13858+5747T>C (NM_133437.4); c.13657+5747T>C (NM_133432.3); short protein forms F4301S, F5228S, F5545S.
Identifiers: ClinVar variation 4685663 (VCV004685663.1).
Genomic context (GRCh38, chr2:178,732,335, plus strand): 5'-CAGGCTAGCTGGGTGGCATCTCCCTTCTTTAACAGCTGTGATGGCTCTAACTTTTCAACA[A>G]ATGTGGCAGGTTCTGTGGAAGGAAGGAAGTTATTAAGAAATGTGAGAAAGAGGAAAGAAT-3'
Protein context (NP_001254479.2, residues 5535-5555): ANLFVKEPAT[Phe5545Ser]VEKLEPSQLL

ClinVar aggregate classification (germline): Uncertain significance (1 of 4 stars; one submission).

gnomAD v4.1: 3 of 1,600,146 alleles (0.00019%); highest among the groups gnomAD compares: African/African-American, 0.0027%; no homozygotes.

Submission:

ARUP Laboratories, Molecular Genetics and Genomics, ARUP Laboratories
Classification: Uncertain significance. Last evaluated: 2024-12-12. Review status: criteria provided, single submitter. Criteria: ARUP Molecular Germline Variant Investigation Process 2024. Collection method: clinical testing. Allele origin: germline.
Comment: The TTN c.16634T>C; p.Phe5545Ser variant (rs999328804) is rare in the general population (<0.2% allele frequency in the Genome Aggregation Database) and has not been reported in the medical literature in association with dilated cardiomyopathy (DCM) or other TTN-related disease. The clinical relevance of rare missense variants in this gene, which are identified on average once per individual sequenced in affected populations (Herman 2012), is not well understood. Yet, evidence suggests that the vast majority of such missense variants do not contribute to the clinical outcome of DCM (Begay 2015). Thus, the clinical significance of the p.Phe5545Ser variant cannot be determined with certainty. References: Begay RL et al. Role of Titin Missense Variants in Dilated Cardiomyopathy. J Am Heart Assoc. 2015 Nov 13;4(11). PMID: 26567375. Herman DS et al. Truncations of titin causing dilated cardiomyopathy. N Engl J Med. 2012 Feb 16;366(7):619-28. PMID: 22335739.